The following is an entry in ClinVar:

NM_016169.4(SUFU):c.1362G>A (p.Glu454=)

Gene: SUFU (SUFU negative regulator of hedgehog signaling; plus strand). Cytogenetic location: 10q24.32.
Variant type: single nucleotide variant.
Coding change: c.1362G>A on transcript NM_016169.4 (MANE Select); coding-DNA position 1362, G replaced by A.
Protein change: p.Glu454=; no amino-acid change (glutamic acid 454 retained).
Molecular consequence: synonymous variant.
Genome position (GRCh38, 1-based): chr10:102,627,240, G>A. VCF-style: chr10-102627240-G-A. GRCh37 (hg19) VCF-style: chr10-104386997-G-A.
Identifiers: ClinVar variation 1159131 (VCV001159131.13), dbSNP rs771380823, ClinGen allele CA5667985.

ClinVar aggregate classification (germline): Conflicting classifications of pathogenicity. Review status: criteria provided, conflicting classifications (1 of 4 stars). 4 submissions from 4 submitters: Uncertain significance (1); Likely benign (3). Last evaluated 2024-06-17.

Conditions:
Medulloblastoma (MDB). Also called: Medulloblastoma, somatic; MEDULLOBLASTOMA PREDISPOSITION SYNDROME. Identifiers: Orphanet 616, MedGen C0025149, MeSH D008527, MONDO:0007959, OMIM 155255, HP:0002885.
Gorlin syndrome. Also called: Nevoid Basal Cell Carcinoma Syndrome; Basal cell nevus syndrome. Identifiers: Orphanet 377, MedGen C0004779, MONDO:0007187.
Hereditary cancer-predisposing syndrome. Also called: Neoplastic Syndromes, Hereditary; Hereditary Cancer Syndrome; Hereditary neoplastic syndrome; Tumor predisposition. Identifiers: Orphanet 140162, MedGen C0027672, MeSH D009386, MONDO:0015356.

Allele frequency attached by ClinVar (database versions not stated): gnomAD exomes below 0.00001 and 0.00001; ExAC 0.00001; gnomAD 0.00001; TOPMed 0.00001.
gnomAD v4.1: 9 of 1,614,070 alleles (0.00056%); highest among the groups gnomAD compares: Non-Finnish European, 0.00076%; no homozygotes.

Submissions (4):

Labcorp Genetics (formerly Invitae), Labcorp
Classification: Likely benign for Gorlin syndrome; Medulloblastoma. Last evaluated: 2024-06-17. Review status: criteria provided, single submitter. Criteria: Invitae Variant Classification Sherloc (09022015). Collection method: clinical testing. Allele origin: germline.

Quest Diagnostics Nichols Institute San Juan Capistrano
Classification: Uncertain significance. Last evaluated: 2023-09-05. Review status: criteria provided, single submitter. Criteria: Quest Diagnostics criteria. Collection method: clinical testing. Allele origin: unknown.
Comment: To the best of our knowledge, this variant has not been reported in the published literature. The frequency of this variant in the general population, 0.000026 (3/113770 chromosomes (Genome Aggregation Database)), is uninformative in the assessment of its pathogenicity. Analysis of this variant using software algorithms for the prediction of the effect of nucleotide changes on splicing yielded predictions that this variant does not affect SUFU mRNA splicing . Based on the available information, we are unable to determine the clinical significance of this variant.

Sema4
Classification: Likely benign for Hereditary cancer-predisposing syndrome. Last evaluated: 2021-08-06. Review status: criteria provided, single submitter. Criteria: Sema4 Curation Guidelines. Collection method: curation. Allele origin: germline.

Ambry Genetics
Classification: Likely benign for Hereditary cancer-predisposing syndrome. Last evaluated: 2021-01-11. Review status: criteria provided, single submitter. Criteria: Ambry Variant Classification Scheme 2023. Collection method: clinical testing. Allele origin: germline.